The following is an entry in ClinVar:

ClinVar aggregate classification (germline): Uncertain significance (1 of 4 stars; one submission).

Conditions:
Familial sleep-related hypermotor epilepsy. Also called: Autosomal Dominant Sleep-Related Hypermotor (Hyperkinetic) Epilepsy. Identifiers: Orphanet 98784, MedGen C3696898, MONDO:0000030.

Allele frequency attached by ClinVar (database versions not stated): ExAC 0.00002; gnomAD 0.00001; gnomAD exomes 0.00001.

Submission:

Labcorp Genetics (formerly Invitae), Labcorp
Classification: Uncertain significance. Last evaluated: 2024-02-23. Review status: criteria provided, single submitter. Criteria: Invitae Variant Classification Sherloc (09022015). Collection method: clinical testing. Allele origin: germline.
Comment: This sequence change replaces proline, which is neutral and non-polar, with leucine, which is neutral and non-polar, at codon 403 of the CHRNA4 protein (p.Pro403Leu). This variant is present in population databases (rs766143571, gnomAD 0.008%). This variant has not been reported in the literature in individuals affected with CHRNA4-related conditions. ClinVar contains an entry for this variant (Variation ID: 1428435). Advanced modeling of protein sequence and biophysical properties (such as structural, functional, and spatial information, amino acid conservation, physicochemical variation, residue mobility, and thermodynamic stability) performed at Invitae indicates that this missense variant is not expected to disrupt CHRNA4 protein function with a negative predictive value of 80%. In summary, the available evidence is currently insufficient to determine the role of this variant in disease. Therefore, it has been classified as a Variant of Uncertain Significance.

NM_000744.7(CHRNA4):c.1208C>T (p.Pro403Leu)

Gene: CHRNA4 (cholinergic receptor nicotinic alpha 4 subunit; minus strand). Cytogenetic location: 20q13.33.
Variant type: single nucleotide variant.
Coding change: c.1208C>T on transcript NM_000744.7 (MANE Select); coding-DNA position 1208, C replaced by T.
Protein change: p.Pro403Leu; replaces proline 403 with leucine.
Molecular consequence: missense variant. On other transcripts: non-coding transcript variant (1).
Genome position (GRCh38, 1-based): chr20:63,350,203, G>A on the plus strand (C>T on the coding strand, the complement: CHRNA4 is on the minus strand). VCF-style: chr20-63350203-G-A. GRCh37 (hg19) VCF-style: chr20-61981555-G-A.
Other names: c.680C>T, p.Pro227Leu (NM_001256573.2); short protein forms P403L, P227L.
Identifiers: ClinVar variation 1428435 (VCV001428435.8), dbSNP rs766143571, ClinGen allele CA9957636.